The following is an entry in ClinVar:

NM_001711.6(BGN):c.711C>A (p.Asp237Glu)

Gene: BGN (biglycan; plus strand). Cytogenetic location: Xq28.
Variant type: single nucleotide variant.
Coding change: c.711C>A on transcript NM_001711.6 (MANE Select); coding-DNA position 711, C replaced by A.
Protein change: p.Asp237Glu; replaces aspartic acid 237 with glutamic acid.
Molecular consequence: missense variant.
Genome position (GRCh38, 1-based): chrX:153,506,864, C>A. VCF-style: chrX-153506864-C-A. GRCh37 (hg19) VCF-style: chrX-152772322-C-A.
Other names: c.711C>A (NM_001711.4); short protein forms D237E.
Identifiers: ClinVar variation 3008697 (VCV003008697.4), dbSNP rs1556993304, ClinGen allele CA415071090.

ClinVar aggregate classification (germline): Uncertain significance. Review status: criteria provided, multiple submitters, no conflicts (2 of 4 stars). 2 submissions from 2 submitters: Uncertain significance (2). Last evaluated 2025-08-12.

Conditions:
Cardiovascular phenotype. Identifiers: MedGen CN230736.

Allele frequency attached by ClinVar (database versions not stated): gnomAD exomes below 0.00001.
gnomAD v4.1: 2 of 1,211,923 alleles (0.00017%); highest among the groups gnomAD compares: Admixed American, 0.0043%; no homozygotes.

Submissions (2):

Ambry Genetics
Classification: Uncertain significance for Cardiovascular phenotype. Last evaluated: 2025-08-12. Review status: criteria provided, single submitter. Criteria: Ambry Variant Classification Scheme 2023. Collection method: clinical testing. Allele origin: germline.
Comment: The p.D237E variant (also known as c.711C>A), located in coding exon 5 of the BGN gene, results from a C to A substitution at nucleotide position 711. The aspartic acid at codon 237 is replaced by glutamic acid, an amino acid with highly similar properties. This amino acid position is conserved. In addition, this alteration is predicted to be tolerated by in silico analysis. Based on the available evidence, the clinical significance of this variant remains unclear.

Labcorp Genetics (formerly Invitae), Labcorp
Classification: Uncertain significance. Last evaluated: 2023-12-18. Review status: criteria provided, single submitter. Criteria: Invitae Variant Classification Sherloc (09022015). Collection method: clinical testing. Allele origin: germline.
Comment: This sequence change replaces aspartic acid, which is acidic and polar, with glutamic acid, which is acidic and polar, at codon 237 of the BGN protein (p.Asp237Glu). This variant is present in population databases (no rsID available, gnomAD 0.004%). This variant has not been reported in the literature in individuals affected with BGN-related conditions. Advanced modeling of protein sequence and biophysical properties (such as structural, functional, and spatial information, amino acid conservation, physicochemical variation, residue mobility, and thermodynamic stability) performed at Invitae indicates that this missense variant is not expected to disrupt BGN protein function with a negative predictive value of 80%. In summary, the available evidence is currently insufficient to determine the role of this variant in disease. Therefore, it has been classified as a Variant of Uncertain Significance.